The following is an entry in ClinVar:

GRCh38/hg38 2q24.2-24.3(chr2:159540464-164617903)x1

Genes: FIGN (fidgetin, microtubule severing factor; minus strand), BAZ2B (bromodomain adjacent to zinc finger domain 2B; minus strand), BAZ2B-AS1 (BAZ2B antisense RNA 1; plus strand), CD302 (CD302 molecule; minus strand), DPP4 (dipeptidyl peptidase 4; minus strand) and 129 more. Cytogenetic location: 2q24.2-24.3.
Variant type: copy number loss.
Change: copy number 1 (one copy instead of two) of chr2:159,540,464-164,617,903 (5.08 Mb, GRCh38 coordinates, 1-based), cytogenetic band 2q24.2-24.3.
Identifiers: ClinVar variation 5038315 (VCV005038315.1).

ClinVar aggregate classification (germline): Pathogenic (1 of 4 stars; one submission).

Submission:

Clinical Genomics Laboratory, Laboratory for Precision Diagnostics, University of Washington
Classification: Pathogenic. Last evaluated: 2025-10-16. Review status: criteria provided, single submitter. Criteria: ACMG/ClinGen CNV Guidelines, 2019. Collection method: clinical testing. Allele origin: unknown. Affected: yes. Observed: 1 variant allele.
Comment: This interstitial deletion is approximately 5.08 Mb in size and contains 20 protein-coding genes. One of the genes within this deletion is TBR1 (OMIM 604616). Heterozygous loss-of-function variants in TBR1 are known to cause an intellectual developmental disorder with autism and speech delay (OMIM 606053). A few people with similar deletions have been described in the medical literature and in public databases: PMID: 35896065 found a slightly smaller deletion of 2q24.2q24.3 encompassing only 9 of the genes deleted in this fetus (not including TBR1) in a person with intellectual disability, developmental and language delay, hypotonia, joint laxity, and distinctive facial features. A 5.5 Mb deletion of 2q24.1q24.3 [GRCh38 chr2:158172214-163656042] was found in a person with prenatal growth restriction, hypotonia, global developmental delay, microcephaly, and distinctive facial features (PMID: 28039919). PMID: 21211576 described a person with intellectual disability, hypotonia, joint laxity, and distinctive facial features who had a 5.3 Mb de novo deletion of 2q24.2q24.3 [GRCh38 chr2:158761940-164025544]. DECIPHER patient 400944 has a 4.71 Mb de novo deletion of 2q24.2q24.3 [GRCh38 chr2:159843083-164554942] and has intellectual disability, delayed speech development, hypotonia, talipes equinovarus, joint laxity, distinctive facial features, and was small for gestational age.

Literature cited by the submitters: PubMed 21211576; PubMed 28039919; PubMed 35896065; PubMed 29728193.